The following is an entry in ClinVar:

NM_181332.3(NLGN4X):c.2284C>T (p.Leu762Phe)

Gene: NLGN4X (neuroligin 4 X-linked; minus strand). Cytogenetic location: Xp22.32.
Variant type: single nucleotide variant.
Coding change: c.2284C>T on transcript NM_181332.3 (MANE Select); coding-DNA position 2284, C replaced by T.
Protein change: p.Leu762Phe; replaces leucine 762 with phenylalanine.
Molecular consequence: missense variant.
Genome position (GRCh38, 1-based): chrX:5,892,984, G>A on the plus strand (C>T on the coding strand, the complement: NLGN4X is on the minus strand). VCF-style: chrX-5892984-G-A. GRCh37 (hg19) VCF-style: chrX-5811025-G-A.
Other names: c.2284C>T, p.Leu762Phe (NM_001282145.2, NM_001282146.2, NM_001441322.1 and 4 more transcripts); short protein forms L762F.
Identifiers: ClinVar variation 4082627 (VCV004082627.1).

ClinVar aggregate classification (germline): Uncertain significance (1 of 4 stars; one submission).

Submission:

GeneDx
Classification: Uncertain significance. Last evaluated: 2025-03-03. Review status: criteria provided, single submitter. Criteria: GeneDx Variant Classification Process June 2021. Collection method: clinical testing. Allele origin: germline. Affected: yes.
Comment: Not observed at significant frequency in large population cohorts (gnomAD); In silico analysis indicates that this missense variant does not alter protein structure/function; Has not been previously published as pathogenic or benign to our knowledge